The following is an entry in ClinVar:

NM_004415.4(DSP):c.2279C>A (p.Thr760Lys)

Gene: DSP (desmoplakin; plus strand). Cytogenetic location: 6p24.3.
Variant type: single nucleotide variant.
Coding change: c.2279C>A on transcript NM_004415.4 (MANE Select); coding-DNA position 2279, C replaced by A.
Protein change: p.Thr760Lys; replaces threonine 760 with lysine.
Molecular consequence: missense variant.
Genome position (GRCh38, 1-based): chr6:7,574,234, C>A. VCF-style: chr6-7574234-C-A. GRCh37 (hg19) VCF-style: chr6-7574467-C-A.
Other names: c.2279C>A, p.Thr760Lys (NM_001008844.3, NM_001319034.2); short protein forms T760K.
Identifiers: ClinVar variation 3074258 (VCV003074258.2), dbSNP rs776873756, ClinGen allele CA362680965.

ClinVar aggregate classification (germline): Uncertain significance. Review status: criteria provided, multiple submitters, no conflicts (2 of 4 stars). 2 submissions from 2 submitters: Uncertain significance (2). Last evaluated 2025-12-27.

Conditions:
Arrhythmogenic right ventricular dysplasia 8 (ARVD8). Also called: ARRHYTHMOGENIC RIGHT VENTRICULAR DYSPLASIA, FAMILIAL, 8; ARRHYTHMOGENIC RIGHT VENTRICULAR CARDIOMYOPATHY 8; Arrhythmogenic Right Ventricular Dysplasia/Cardiomyopathy 8. Identifiers: MedGen C1843896, MONDO:0011831, OMIM 607450.
Arrhythmogenic cardiomyopathy with wooly hair and keratoderma. Also called: PALMOPLANTAR KERATODERMA WITH LEFT VENTRICULAR CARDIOMYOPATHY AND WOOLLY HAIR; Carvajal syndrome; Dilated cardiomyopathy with woolly hair and keratoderma; Arrhythmogenic cardiomyopathy with woolly hair and keratoderma. Identifiers: Orphanet 65282, MedGen C1854063, MONDO:0011581, OMIM 605676.

Submissions (2):

Labcorp Genetics (formerly Invitae), Labcorp
Classification: Uncertain significance for Arrhythmogenic cardiomyopathy with wooly hair and keratoderma; Arrhythmogenic right ventricular dysplasia 8. Last evaluated: 2025-12-27. Review status: criteria provided, single submitter. Criteria: Invitae Variant Classification Sherloc (09022015). Collection method: clinical testing. Allele origin: germline.
Comment: This sequence change replaces threonine, which is neutral and polar, with lysine, which is basic and polar, at codon 760 of the DSP protein (p.Thr760Lys). This variant is not present in population databases (gnomAD no frequency). This variant has not been reported in the literature in individuals affected with DSP-related conditions. ClinVar contains an entry for this variant (Variation ID: 3074258). An algorithm developed to predict the effect of missense changes on protein structure and function (PolyPhen-2) suggests that this variant is likely to be tolerated. In summary, the available evidence is currently insufficient to determine the role of this variant in disease. Therefore, it has been classified as a Variant of Uncertain Significance.

All of Us Research Program, National Institutes of Health
Classification: Uncertain significance for Arrhythmogenic cardiomyopathy with wooly hair and keratoderma. Last evaluated: 2023-12-01. Review status: criteria provided, single submitter. Criteria: ACMG Guidelines, 2015. Collection method: clinical testing. Allele origin: germline. Inheritance: Autosomal dominant inheritance. Observed: 1 variant allele, 1 heterozygote.
Comment: This study involves interpretation of variants in research participants for the purpose of population health screening. Participant phenotype was not available at the time of variant classification. Additional details can be found in publication PMID: 35346344, PMCID: PMC8962531